The following is an entry in ClinVar:

ClinVar aggregate classification (germline): Uncertain significance. Review status: criteria provided, multiple submitters, no conflicts (2 of 4 stars). 2 submissions from 2 submitters: Uncertain significance (2). Last evaluated 2022-03-15.

Conditions:
Inborn genetic diseases. Identifiers: MedGen C0950123, MeSH D030342.

Allele frequency attached by ClinVar (database versions not stated): gnomAD exomes 0.00002; TOPMed 0.00002; gnomAD 0.00006.

Submissions (2):

Labcorp Genetics (formerly Invitae), Labcorp
Classification: Uncertain significance. Last evaluated: 2022-03-15. Review status: criteria provided, single submitter. Criteria: Invitae Variant Classification Sherloc (09022015). Collection method: clinical testing. Allele origin: germline.
Comment: This sequence change replaces proline, which is neutral and non-polar, with serine, which is neutral and polar, at codon 583 of the EXTL3 protein (p.Pro583Ser). This variant is present in population databases (no rsID available, gnomAD 0.01%). This variant has not been reported in the literature in individuals affected with EXTL3-related conditions. Algorithms developed to predict the effect of missense changes on protein structure and function are either unavailable or do not agree on the potential impact of this missense change (SIFT: "Tolerated"; PolyPhen-2: "Possibly Damaging"; Align-GVGD: "Class C0"). In summary, the available evidence is currently insufficient to determine the role of this variant in disease. Therefore, it has been classified as a Variant of Uncertain Significance.

Ambry Genetics
Classification: Uncertain significance for Inborn genetic diseases. Last evaluated: 2021-08-16. Review status: criteria provided, single submitter. Criteria: Ambry Variant Classification Scheme 2023. Collection method: clinical testing. Allele origin: germline.

NM_001440.4(EXTL3):c.1747C>T (p.Pro583Ser)

Gene: EXTL3 (exostosin like glycosyltransferase 3; plus strand). Cytogenetic location: 8p21.1.
Variant type: single nucleotide variant.
Coding change: c.1747C>T on transcript NM_001440.4 (MANE Select); coding-DNA position 1747, C replaced by T.
Protein change: p.Pro583Ser; replaces proline 583 with serine.
Molecular consequence: missense variant.
Genome position (GRCh38, 1-based): chr8:28,717,806, C>T. VCF-style: chr8-28717806-C-T. GRCh37 (hg19) VCF-style: chr8-28575323-C-T.
Other names: short protein forms P583S.
Identifiers: ClinVar variation 1904695 (VCV001904695.3), dbSNP rs1293620933, ClinGen allele CA370860717.